The following is an entry in ClinVar:

ClinVar aggregate classification (germline): Uncertain significance (1 of 4 stars; one submission).

Conditions:
Mitochondrial DNA depletion syndrome 13. Also called: FBXL4-Related Encephalomyopathic Mitochondrial DNA Depletion Syndrome; Mitochondrial DNA depletion syndrome 13 (encephalomyopathic type). Identifiers: Orphanet 369897, MedGen C3809592, MONDO:0014198, OMIM 615471.

Allele frequency attached by ClinVar (database versions not stated): gnomAD exomes 0.00001 and below 0.00001; ExAC 0.00001.
gnomAD v4.1: 3 of 1,613,926 alleles (0.00019%); highest among the groups gnomAD compares: Middle Eastern, 0.017%; no homozygotes.

Submission:

Wong Mito Lab, Molecular and Human Genetics, Baylor College of Medicine
Classification: Uncertain significance for Mitochondrial DNA depletion syndrome 13. Last evaluated: 2017-08-10. Review status: criteria provided, single submitter. Criteria: ACMG Guidelines, 2015. Collection method: reference population. Allele origin: germline.
Comment: The NM_012160.4:c.904A>G (NP_036292.2:p.Arg302Gly) [GRCH38: NC_000006.12:g.98905625T>C] variant in FBXL4 gene is interpretated to be a Uncertain Significance - Insufficient Evidence based on ACMG guidelines (PMID: 25741868). This variant meets one or more of the following evidence codes reported in the ACMG-guideline. PM2:This variant is absent in key population databases. PP3:Computational evidence/predictors indicate the variant has deleterious effect on FBXL4 structure, function, or protein-protein interaction. Based on this evidence code ClinGen Pathogenicity Calculator (PMID:28081714) suggested that the variant is Uncertain Significance - Insufficient Evidence.

NM_001278716.2(FBXL4):c.904A>G (p.Arg302Gly)

Gene: FBXL4 (F-box and leucine rich repeat protein 4; minus strand). Cytogenetic location: 6q16.2.
Variant type: single nucleotide variant.
Coding change: c.904A>G on transcript NM_001278716.2 (MANE Select); coding-DNA position 904, A replaced by G.
Protein change: p.Arg302Gly; replaces arginine 302 with glycine.
Molecular consequence: missense variant. On other transcripts: non-coding transcript variant (2).
Genome position (GRCh38, 1-based): chr6:98,905,625, T>C on the plus strand (A>G on the coding strand, the complement: FBXL4 is on the minus strand). VCF-style: chr6-98905625-T-C. GRCh37 (hg19) VCF-style: chr6-99353501-T-C.
Other names: c.904A>G, p.Arg302Gly (NM_012160.5); short protein forms R302G.
Identifiers: ClinVar variation 437653 (VCV000437653.1), dbSNP rs772461568, ClinGen allele CA3933586.